The following is an entry in ClinVar:

ClinVar aggregate classification (germline): Pathogenic (1 of 4 stars; one submission).

Conditions:
Vici syndrome (VICIS). Identifiers: Orphanet 1493, MedGen C1855772, MONDO:0009452, OMIM 242840.

Submission:

Labcorp Genetics (formerly Invitae), Labcorp
Classification: Pathogenic for Vici syndrome. Last evaluated: 2023-11-13. Review status: criteria provided, single submitter. Criteria: Invitae Variant Classification Sherloc (09022015). Collection method: clinical testing. Allele origin: germline.
Comment: This sequence change creates a premature translational stop signal (p.Cys1071Serfs*5) in the EPG5 gene. It is expected to result in an absent or disrupted protein product. Loss-of-function variants in EPG5 are known to be pathogenic (PMID: 23222957, 23674064). This variant is not present in population databases (gnomAD no frequency). This variant has not been reported in the literature in individuals affected with EPG5-related conditions. For these reasons, this variant has been classified as Pathogenic.

Literature cited by the submitters: PubMed 23222957; PubMed 23674064.

NM_020964.3(EPG5):c.3210_3213del (p.Cys1071fs)

Gene: EPG5 (ectopic P-granules 5 autophagy tethering factor; minus strand). Cytogenetic location: 18q21.1.
Variant type: Deletion.
Coding change: c.3210_3213del on transcript NM_020964.3 (MANE Select); coding-DNA positions 3210 to 3213, 4 bases deleted (TTGC; older notation c.3210_3213delTTGC).
Protein change: p.Cys1071fs; shifts the reading frame from cysteine 1071.
Molecular consequence: frameshift variant.
Genome position (GRCh38, 1-based): chr18:45,917,705-45,917,708, GCAA deleted on the plus strand (TTGC on the coding strand, the reverse complement: EPG5 is on the minus strand); deleting any 4 consecutive bases within chr18:45,917,705-45,917,709 gives the same sequence; the c. name uses the placement nearest the transcript's 3' end. VCF-style (leftmost placement, unchanged base first): chr18-45917704-GGCAA-G. GRCh37 (hg19) VCF-style: chr18-43497669-GGCAA-G.
Other names: c.3210_3213del, p.Cys1071fs (NM_001410858.1, NM_001410859.1); short protein forms C1071fs.
Identifiers: ClinVar variation 2695474 (VCV002695474.3), dbSNP rs2511834817, ClinGen allele CA2697555418.